The following is an entry in ClinVar:

NM_182914.3(SYNE2):c.4457A>G (p.His1486Arg)

Gene: SYNE2 (spectrin repeat containing nuclear envelope protein 2; plus strand). Cytogenetic location: 14q23.2.
Variant type: single nucleotide variant.
Coding change: c.4457A>G on transcript NM_182914.3 (MANE Select); coding-DNA position 4457, A replaced by G.
Protein change: p.His1486Arg; replaces histidine 1486 with arginine.
Molecular consequence: missense variant.
Genome position (GRCh38, 1-based): chr14:64,007,102, A>G. VCF-style: chr14-64007102-A-G. GRCh37 (hg19) VCF-style: chr14-64473820-A-G.
Other names: c.4457A>G, p.His1486Arg (NM_015180.6); short protein forms H1486R.
Identifiers: ClinVar variation 2436837 (VCV002436837.7), dbSNP rs370246009, ClinGen allele CA7220223.

ClinVar aggregate classification (germline): Uncertain significance. Review status: criteria provided, multiple submitters, no conflicts (2 of 4 stars). 3 submissions from 3 submitters: Uncertain significance (3). Last evaluated 2025-04-03.

Conditions:
Emery-Dreifuss muscular dystrophy 5, autosomal dominant (EDMD5). Also called: EMERY-DREIFUSS MUSCULAR DYSTROPHY 5. Identifiers: Orphanet 261, MedGen C2751805, MONDO:0013072, OMIM 612999.

Allele frequency attached by ClinVar (database versions not stated): gnomAD exomes 0.00001; ExAC 0.00002; gnomAD 0.00003; TOPMed 0.00006; ESP Exome Variant Server 0.00008.
gnomAD v4.1: 26 of 1,613,628 alleles (0.0016%); highest among the groups gnomAD compares: African/African-American, 0.011%; no homozygotes.

Submissions (3):

Ambry Genetics
Classification: Uncertain significance. Last evaluated: 2025-04-03. Review status: criteria provided, single submitter. Criteria: Ambry Variant Classification Scheme 2023. Collection method: clinical testing. Allele origin: germline.

Labcorp Genetics (formerly Invitae), Labcorp
Classification: Uncertain significance for Emery-Dreifuss muscular dystrophy 5, autosomal dominant. Last evaluated: 2023-08-08. Review status: criteria provided, single submitter. Criteria: Invitae Variant Classification Sherloc (09022015). Collection method: clinical testing. Allele origin: germline.
Comment: Algorithms developed to predict the effect of missense changes on protein structure and function output the following: SIFT: "Not Available"; PolyPhen-2: "Benign"; Align-GVGD: "Not Available". The arginine amino acid residue is found in multiple mammalian species, which suggests that this missense change does not adversely affect protein function. In summary, the available evidence is currently insufficient to determine the role of this variant in disease. Therefore, it has been classified as a Variant of Uncertain Significance. ClinVar contains an entry for this variant (Variation ID: 2436837). This variant has not been reported in the literature in individuals affected with SYNE2-related conditions. This variant is present in population databases (rs370246009, gnomAD 0.02%). This sequence change replaces histidine, which is basic and polar, with arginine, which is basic and polar, at codon 1486 of the SYNE2 protein (p.His1486Arg).

Revvity Omics, Revvity
Classification: Uncertain significance for Emery-Dreifuss muscular dystrophy 5, autosomal dominant. Last evaluated: 2020-02-13. Review status: criteria provided, single submitter. Criteria: ACMG Guidelines, 2015. Collection method: clinical testing. Allele origin: germline.